The following is an entry in ClinVar:

NM_000478.6(ALPL):c.561C>A (p.Tyr187Ter)

Gene: ALPL (alkaline phosphatase, biomineralization associated; plus strand). Cytogenetic location: 1p36.12.
Variant type: single nucleotide variant.
Coding change: c.561C>A on transcript NM_000478.6 (MANE Select); coding-DNA position 561, C replaced by A.
Protein change: p.Tyr187Ter; replaces tyrosine 187 with a stop codon.
Molecular consequence: nonsense.
Genome position (GRCh38, 1-based): chr1:21,564,129, C>A. VCF-style: chr1-21564129-C-A. GRCh37 (hg19) VCF-style: chr1-21890622-C-A.
Other names: c.396C>A, p.Tyr132Ter (NM_001127501.4); c.330C>A, p.Tyr110Ter (NM_001177520.3); c.561C>A, p.Tyr187Ter (NM_001369803.2, NM_001369804.2, NM_001369805.2); short protein forms Y110*, Y132*, Y187*.
Identifiers: ClinVar variation 2682631 (VCV002682631.1), dbSNP rs771542770, ClinGen allele CA338878048.

ClinVar aggregate classification (germline): Pathogenic (1 of 4 stars; one submission).

Conditions:
Hypophosphatasia. Also called: Phosphoethanol-aminuria. Identifiers: Orphanet 436, MedGen C0020630, MeSH D007014, MONDO:0018570.

Submission:

Women's Health and Genetics/Laboratory Corporation of America, LabCorp
Classification: Pathogenic for Hypophosphatasia. Last evaluated: 2023-11-20. Review status: criteria provided, single submitter. Criteria: LabCorp Variant Classification Summary - May 2015. Collection method: clinical testing. Allele origin: germline.
Comment: Variant summary: ALPL c.561C>A (p.Tyr187X) results in a premature termination codon and is predicted to cause absence of the protein due to nonsense mediated decay, a commonly known mechanism for disease. The variant was absent in 251224 control chromosomes (gnomAD). To our knowledge, no occurrence of c.561C>A in individuals affected with Hypophosphatasia and no experimental evidence demonstrating its impact on protein function have been reported. No submitters have cited clinical-significance assessments for this variant to ClinVar after 2014. Based on the evidence outlined above, the variant was classified as pathogenic.